The following is an entry in ClinVar:

NM_198129.4(LAMA3):c.8896A>T (p.Ser2966Cys)

Gene: LAMA3 (laminin subunit alpha 3; plus strand). Cytogenetic location: 18q11.2.
Variant type: single nucleotide variant.
Coding change: c.8896A>T on transcript NM_198129.4 (MANE Select); coding-DNA position 8896, A replaced by T.
Protein change: p.Ser2966Cys; replaces serine 2966 with cysteine.
Molecular consequence: missense variant.
Genome position (GRCh38, 1-based): chr18:23,939,256, A>T. VCF-style: chr18-23939256-A-T. GRCh37 (hg19) VCF-style: chr18-21519220-A-T.
Other names: c.4069A>T, p.Ser1357Cys (NM_000227.6); c.8728A>T, p.Ser2910Cys (NM_001127717.4); c.3901A>T, p.Ser1301Cys (NM_001127718.4); short protein forms S2966C, S1301C, S1357C, S2910C.
Identifiers: ClinVar variation 1490818 (VCV001490818.6), dbSNP rs2145460970, ClinGen allele CA402048269.

ClinVar aggregate classification (germline): Uncertain significance (1 of 4 stars; one submission).

Submission:

Labcorp Genetics (formerly Invitae), Labcorp
Classification: Uncertain significance. Last evaluated: 2021-09-15. Review status: criteria provided, single submitter. Criteria: Invitae Variant Classification Sherloc (09022015). Collection method: clinical testing. Allele origin: germline.
Comment: In summary, the available evidence is currently insufficient to determine the role of this variant in disease. Therefore, it has been classified as a Variant of Uncertain Significance. Algorithms developed to predict the effect of sequence changes on RNA splicing suggest that this variant may create or strengthen a splice site. Algorithms developed to predict the effect of missense changes on protein structure and function are either unavailable or do not agree on the potential impact of this missense change (SIFT: "Tolerated"; PolyPhen-2: "Possibly Damaging"; Align-GVGD: "Class C0"). This variant has not been reported in the literature in individuals affected with LAMA3-related conditions. This variant is not present in population databases (ExAC no frequency). This sequence change replaces serine with cysteine at codon 1357 of the LAMA3 protein (p.Ser1357Cys). The serine residue is weakly conserved and there is a moderate physicochemical difference between serine and cysteine.